The following is an entry in ClinVar:

NM_205836.3(FBXO38):c.871G>A (p.Gly291Ser)

Gene: FBXO38 (F-box protein 38; plus strand). Cytogenetic location: 5q32.
Variant type: single nucleotide variant.
Coding change: c.871G>A on transcript NM_205836.3 (MANE Select); coding-DNA position 871, G replaced by A.
Protein change: p.Gly291Ser; replaces glycine 291 with serine.
Molecular consequence: missense variant.
Genome position (GRCh38, 1-based): chr5:148,409,126, G>A. VCF-style: chr5-148409126-G-A. GRCh37 (hg19) VCF-style: chr5-147788689-G-A.
Other names: c.871G>A, p.Gly291Ser (NM_001271723.2, NM_030793.5); short protein forms G291S.
Identifiers: ClinVar variation 1019196 (VCV001019196.10), dbSNP rs1752601122, ClinGen allele CA361656939.
Genomic context (GRCh38, chr5:148,409,126, plus strand): 5'-ATAAATACTTCACTAAAAATGCTATGGTCAAACACTTGTTTTTGTTCCTCGTCTTTAGGT[G>A]GTTTTAGAAATTTGCACACTATTGTTCTGGGAGCTTGCAAAAATGCTCTTGAAGTAGATC-3'
Protein context (NP_995308.1, residues 281-301): HVVEDSWRSG[Gly291Ser]FRNLHTIVLG

ClinVar aggregate classification (germline): Uncertain significance (1 of 4 stars; one submission).

Conditions:
Distal hereditary motor neuropathy type 2. Identifiers: Orphanet 139525, MedGen C3711384, MeSH C580044, MONDO:0015352.

Allele frequency attached by ClinVar (database versions not stated): gnomAD exomes below 0.00001; gnomAD 0.00001; TOPMed 0.00001.
gnomAD v4.1: 3 of 1,603,200 alleles (0.00019%); highest among the groups gnomAD compares: Non-Finnish European, 0.00026%; no homozygotes.

Submission:

Labcorp Genetics (formerly Invitae), Labcorp
Classification: Uncertain significance for Distal hereditary motor neuropathy type 2. Last evaluated: 2023-05-05. Review status: criteria provided, single submitter. Criteria: Invitae Variant Classification Sherloc (09022015). Collection method: clinical testing. Allele origin: germline.
Comment: In summary, the available evidence is currently insufficient to determine the role of this variant in disease. Therefore, it has been classified as a Variant of Uncertain Significance. Algorithms developed to predict the effect of sequence changes on RNA splicing suggest that this variant may create or strengthen a splice site. An algorithm developed to predict the effect of missense changes on protein structure and function (PolyPhen-2) suggests that this variant is likely to be disruptive. ClinVar contains an entry for this variant (Variation ID: 1019196). This variant has not been reported in the literature in individuals affected with FBXO38-related conditions. This variant is not present in population databases (gnomAD no frequency). This sequence change replaces glycine, which is neutral and non-polar, with serine, which is neutral and polar, at codon 291 of the FBXO38 protein (p.Gly291Ser).